The following is an entry in ClinVar:

NM_003482.4(KMT2D):c.3936C>T (p.Arg1312=)

Genes: KMT2D (lysine methyltransferase 2D; minus strand), LOC126861520 (CDK7 strongly-dependent group 2 enhancer GRCh37_chr12:49442744-49443943; plus strand). Cytogenetic location: 12q13.12.
Variant type: single nucleotide variant.
Coding change: c.3936C>T on transcript NM_003482.4 (MANE Select); coding-DNA position 3936, C replaced by T.
Protein change: p.Arg1312=; no amino-acid change (arginine 1312 retained).
Molecular consequence: synonymous variant.
Genome position (GRCh38, 1-based): chr12:49,049,189, G>A on the plus strand (C>T on the coding strand, the complement: KMT2D is on the minus strand). VCF-style: chr12-49049189-G-A. GRCh37 (hg19) VCF-style: chr12-49442972-G-A.
Other names: c.3936C>T (NM_003482.3).
Identifiers: ClinVar variation 1629390 (VCV001629390.10), dbSNP rs774905292, ClinGen allele CA6547943.

ClinVar aggregate classification (germline): Likely benign. Review status: criteria provided, multiple submitters, no conflicts (2 of 4 stars). 3 submissions from 3 submitters: Likely benign (3). Last evaluated 2025-11-22.

Conditions:
KMT2D-related disorder. Also called: KMT2D-Related Disorders.
Kabuki syndrome. Also called: NIIKAWA-KUROKI SYNDROME; Kabuki make-up syndrome. Identifiers: Orphanet 2322, MedGen C0796004, MONDO:0016512.

Allele frequency attached by ClinVar (database versions not stated): ExAC 0.00007; gnomAD 0.00007 and 0.00008; gnomAD exomes 0.00007; TOPMed 0.00008.

Submissions (3):

Labcorp Genetics (formerly Invitae), Labcorp
Classification: Likely benign for Kabuki syndrome. Last evaluated: 2025-11-22. Review status: criteria provided, single submitter. Criteria: Invitae Variant Classification Sherloc (09022015). Collection method: clinical testing. Allele origin: germline.

PreventionGenetics, part of Exact Sciences
Classification: Likely benign for KMT2D-related condition. Last evaluated: 2025-01-28. Review status: criteria provided, single submitter. Criteria: ACMG Guidelines, 2015. Collection method: clinical testing. Allele origin: germline.
Comment: This variant is classified as likely benign based on ACMG/AMP sequence variant interpretation guidelines (Richards et al. 2015 PMID: 25741868, with internal and published modifications).

Blueprint Genetics
Classification: Likely benign. Last evaluated: 2023-09-06. Review status: criteria provided, single submitter. Criteria: ACMG Guidelines, 2015. Collection method: clinical testing. Allele origin: germline.